The following is an entry in ClinVar:

ClinVar aggregate classification (germline): Conflicting classifications of pathogenicity. Review status: criteria provided, conflicting classifications (1 of 4 stars). 2 submissions from 2 submitters: Uncertain significance (1); Likely benign (1). Last evaluated 2024-03-02.

Conditions:
Landau-Kleffner syndrome (FESD). Also called: EPILEPSY, FOCAL, WITH SPEECH DISORDER AND WITH OR WITHOUT MENTAL RETARDATION; APHASIA, ACQUIRED, WITH EPILEPSY. Identifiers: Orphanet 1945, Orphanet 725, Orphanet 98818, MedGen C0282512, MONDO:0009509, OMIM 245570.

Allele frequency attached by ClinVar (database versions not stated): ExAC 0.00001; gnomAD 0.00001; gnomAD exomes 0.00001 and below 0.00001; TOPMed 0.00002.
gnomAD v4.1: 17 of 1,614,052 alleles (0.0011%); highest among the groups gnomAD compares: East Asian, 0.031%; no homozygotes.

Submissions (2):

Labcorp Genetics (formerly Invitae), Labcorp
Classification: Likely benign for Landau-Kleffner syndrome. Last evaluated: 2024-03-02. Review status: criteria provided, single submitter. Criteria: Invitae Variant Classification Sherloc (09022015). Collection method: clinical testing. Allele origin: germline.

GeneDx
Classification: Uncertain significance. Last evaluated: 2019-11-08. Review status: criteria provided, single submitter. Criteria: GeneDx Variant Classification Process June 2021. Collection method: clinical testing. Allele origin: germline. Affected: yes.
Comment: In silico analysis, which includes protein predictors and evolutionary conservation, supports that this variant does not alter protein structure/function; Has not been previously published as pathogenic or benign to our knowledge

NM_001134407.3(GRIN2A):c.602A>G (p.Gln201Arg)

Gene: GRIN2A (glutamate ionotropic receptor NMDA type subunit 2A; minus strand). Cytogenetic location: 16p13.2.
Variant type: single nucleotide variant.
Coding change: c.602A>G on transcript NM_001134407.3 (MANE Select); coding-DNA position 602, A replaced by G.
Protein change: p.Gln201Arg; replaces glutamine 201 with arginine.
Molecular consequence: missense variant.
Genome position (GRCh38, 1-based): chr16:9,938,364, T>C on the plus strand (A>G on the coding strand, the complement: GRIN2A is on the minus strand). VCF-style: chr16-9938364-T-C. GRCh37 (hg19) VCF-style: chr16-10032221-T-C.
Other names: c.602A>G, p.Gln201Arg (NM_000833.5, NM_001134408.2); short protein forms Q201R.
Identifiers: ClinVar variation 1309854 (VCV001309854.4), dbSNP rs753547381, ClinGen allele CA7896924.
Genomic context (GRCh38, chr16:9,938,364, plus strand): 5'-TTCTTCAGCTGGACTTGTGTCTTTGCATCCTCAAAGGAAGTGTCCAGTGTGATCACATTC[T>C]GCATGTCCCAGCCCACAAAGCTGTTGTCCACTGTGGTCTTGACGAAGCTGATGAATTCCC-3'
Protein context (NP_001127879.1, residues 191-211): VDNSFVGWDM[Gln201Arg]NVITLDTSFE